The following is an entry in ClinVar:

ClinVar aggregate classification (germline): Uncertain significance (1 of 4 stars; one submission).

gnomAD v4.1: 2 of 1,614,000 alleles (0.00012%); highest among the groups gnomAD compares: Admixed American, 0.0033%; no homozygotes.

Submission:

Labcorp Genetics (formerly Invitae), Labcorp
Classification: Uncertain significance. Last evaluated: 2023-10-04. Review status: criteria provided, single submitter. Criteria: Invitae Variant Classification Sherloc (09022015). Collection method: clinical testing. Allele origin: germline.
Comment: This sequence change replaces leucine, which is neutral and non-polar, with tryptophan, which is neutral and slightly polar, at codon 222 of the ANGPT1 protein (p.Leu222Trp). This variant is present in population databases (no rsID available, gnomAD 0.003%). This variant has not been reported in the literature in individuals affected with ANGPT1-related conditions. An algorithm developed to predict the effect of missense changes on protein structure and function (PolyPhen-2) suggests that this variant is likely to be disruptive. In summary, the available evidence is currently insufficient to determine the role of this variant in disease. Therefore, it has been classified as a Variant of Uncertain Significance.

NM_001146.5(ANGPT1):c.665T>G (p.Leu222Trp)

Gene: ANGPT1 (angiopoietin 1; minus strand). Cytogenetic location: 8q23.1.
Variant type: single nucleotide variant.
Coding change: c.665T>G on transcript NM_001146.5 (MANE Select); coding-DNA position 665, T replaced by G.
Protein change: p.Leu222Trp; replaces leucine 222 with tryptophan.
Molecular consequence: missense variant.
Genome position (GRCh38, 1-based): chr8:107,322,039, A>C on the plus strand (T>G on the coding strand, the complement: ANGPT1 is on the minus strand). VCF-style: chr8-107322039-A-C. GRCh37 (hg19) VCF-style: chr8-108334267-A-C.
Other names: c.665T>G, p.Leu222Trp (NM_001199859.3); c.65T>G, p.Leu22Trp (NM_001314051.2); short protein forms L222W, L22W.
Identifiers: ClinVar variation 2812010 (VCV002812010.3), dbSNP rs1429087377, ClinGen allele CA372034106.
Genomic context (GRCh38, chr8:107,322,039, plus strand): 5'-GTGGTAGCTCTGTTTAATTGCTTTTCCAGCTCCTGGATTATATATGTTTGACGAGTAACC[A>C]AGCCTTGAAGGTTCTCTTTCTCTTCCTTTAAGGTGTCCAACTCTTCCTTGTGTTTTCCTT-3'
Protein context (NP_001137.2, residues 212-232): LKEEKENLQG[Leu222Trp]VTRQTYIIQE